The following is an entry in ClinVar:

NM_014874.4(MFN2):c.1452G>A (p.Thr484=)

Gene: MFN2 (mitofusin 2; plus strand). Cytogenetic location: 1p36.22.
Variant type: single nucleotide variant.
Coding change: c.1452G>A on transcript NM_014874.4 (MANE Select); coding-DNA position 1452, G replaced by A.
Protein change: p.Thr484=; no amino-acid change (threonine 484 retained).
Molecular consequence: synonymous variant.
Genome position (GRCh38, 1-based): chr1:12,004,884, G>A. VCF-style: chr1-12004884-G-A. GRCh37 (hg19) VCF-style: chr1-12064941-G-A.
Other names: p.T484T:ACG>ACA; c.1452G>A, p.Thr484= (NM_001127660.2).
Identifiers: ClinVar variation 194409 (VCV000194409.71), dbSNP rs150043585, ClinGen allele CA240338.

ClinVar aggregate classification (germline): Benign/Likely benign. Review status: criteria provided, multiple submitters, no conflicts (2 of 4 stars). 15 submissions from 14 submitters: Benign (4); Likely benign (9). 2 of the submissions do not count toward it. Last evaluated 2026-09-01.

Conditions:
Charcot-Marie-Tooth disease. Also called: Charcot-Marie-Tooth Hereditary Neuropathy; Charcot-Marie-Tooth Neuropathy. Identifiers: Orphanet 166, MedGen C0007959, MONDO:0015626.
Inborn genetic diseases. Identifiers: MedGen C0950123, MeSH D030342.
Charcot-Marie-Tooth disease type 2. Also called: Charcot-Marie-Tooth type 2. Identifiers: Orphanet 64746, MedGen C0270914, MONDO:0018993.
Hereditary motor and sensory neuropathy with optic atrophy. Also called: CHARCOT-MARIE-TOOTH DISEASE, TYPE 6; PERIPHERAL NEUROPATHY AND OPTIC ATROPHY. Identifiers: Orphanet 90120, MedGen C0393807, MONDO:0019551.

Allele frequency attached by ClinVar (database versions not stated): 1000 Genomes Project 0.00060; 1000 Genomes Project 30x 0.00078; gnomAD 0.00083 and 0.00086; TOPMed 0.00088; ExAC 0.00089; ESP Exome Variant Server 0.00108.
gnomAD v4.1: 1,792 of 1,613,470 alleles (0.11%); highest among the groups gnomAD compares: Middle Eastern, 0.53%; 4 homozygotes.

Submissions (17):

CeGaT Center for Human Genetics Tuebingen
Classification: Likely benign. Last evaluated: 2026-09-01. Review status: criteria provided, single submitter. Criteria: CeGaT Center For Human Genetics Tuebingen Variant Classification Criteria Version 2. Collection method: clinical testing. Allele origin: germline. Affected: yes. Observed: 7 variant alleles.
Comment: MFN2: BP4, BP7

Labcorp Genetics (formerly Invitae), Labcorp
Classification: Likely benign for Charcot-Marie-Tooth disease type 2. Last evaluated: 2026-01-27. Review status: criteria provided, single submitter. Criteria: Invitae Variant Classification Sherloc (09022015). Collection method: clinical testing. Allele origin: germline.

Women's Health and Genetics/Laboratory Corporation of America, LabCorp
Classification: Likely benign. Last evaluated: 2025-10-08. Review status: criteria provided, single submitter. Criteria: LabCorp Variant Classification Summary - May 2015. Collection method: clinical testing. Allele origin: germline.

Blueprint Genetics
Classification: Likely benign. Last evaluated: 2024-11-06. Review status: criteria provided, single submitter. Criteria: ACMG Guidelines, 2015. Collection method: clinical testing. Allele origin: germline.

ARUP Laboratories, Molecular Genetics and Genomics, ARUP Laboratories
Classification: Likely benign. Last evaluated: 2023-10-09. Review status: criteria provided, single submitter. Criteria: ARUP Molecular Germline Variant Investigation Process 2024. Collection method: clinical testing. Allele origin: germline.

Ambry Genetics
Classification: Likely benign for Inborn genetic diseases. Last evaluated: 2019-07-11. Review status: criteria provided, single submitter. Criteria: Ambry Variant Classification Scheme 2023. Collection method: clinical testing. Allele origin: germline.

Illumina Laboratory Services, Illumina
Classification: Benign for Charcot-Marie-Tooth disease, type 2. Last evaluated: 2018-01-13. Review status: criteria provided, single submitter. Criteria: ICSL Variant Classification Criteria 13 December 2019. Collection method: clinical testing. Allele origin: germline.
Comment: This variant was observed in the ICSL laboratory as part of a predisposition screen in an ostensibly healthy population. It had not been previously curated by ICSL or reported in the Human Gene Mutation Database (HGMD: prior to June 1st, 2018), and was therefore a candidate for classification through an automated scoring system. Utilizing variant allele frequency, disease prevalence and penetrance estimates, and inheritance mode, an automated score was calculated to assess if this variant is too frequent to cause the disease. Based on the score and internal cut-off values, a variant classified as benign is not then subjected to further curation. The score for this variant resulted in a classification of benign for this disease.

Illumina Laboratory Services, Illumina
Classification: Benign for Neuropathy, hereditary motor and sensory, type 6A. Last evaluated: 2018-01-13. Review status: criteria provided, single submitter. Criteria: ICSL Variant Classification Criteria 13 December 2019. Collection method: clinical testing. Allele origin: germline.
Comment: the same text as in the submission from Illumina Laboratory Services, Illumina above.

Eurofins Ntd Llc (ga)
Classification: Likely benign. Last evaluated: 2017-05-30. Review status: criteria provided, single submitter. Criteria: EGL Classification Definitions 2015. Collection method: clinical testing. Allele origin: germline. Observed: 2 variant alleles, 2 heterozygotes.

Athena Diagnostics
Classification: Benign. Last evaluated: 2017-02-13. Review status: criteria provided, single submitter. Criteria: Athena Diagnostics Criteria. Collection method: clinical testing. Allele origin: germline.

GeneDx
Classification: Benign. Last evaluated: 2014-11-14. Review status: criteria provided, single submitter. Criteria: GeneDx Variant Classification (06012015). Collection method: clinical testing. Allele origin: germline. Affected: yes.
Comment: This variant is considered likely benign or benign based on one or more of the following criteria: it is a conservative change, it occurs at a poorly conserved position in the protein, it is predicted to be benign by multiple in silico algorithms, and/or has population frequency not consistent with disease.

Breakthrough Genomics
Classification: Likely benign. Review status: criteria provided, single submitter. Criteria: ACMG Guidelines, 2015. Collection method: not provided. Allele origin: germline. Inheritance: Autosomal recessive inheritance. Affected: yes.

Molecular Genetics Laboratory, London Health Sciences Centre
Classification: Likely benign for Charcot-Marie-Tooth disease. Review status: criteria provided, single submitter. Criteria: ACMG Guidelines, 2015. Collection method: clinical testing. Allele origin: germline. Affected: yes.

Clinical Genetics DNA and cytogenetics Diagnostics Lab, Erasmus MC, Erasmus Medical Center
Classification: Likely benign. Review status: no assertion criteria provided. Collection method: clinical testing. Allele origin: germline. Affected: yes. Study: VKGL Data-share Consensus. Not counted in ClinVar's aggregate classification.

Clinical Genetics, Academic Medical Center
Classification: Likely benign. Review status: no assertion criteria provided. Collection method: clinical testing. Allele origin: germline. Affected: yes. Study: VKGL Data-share Consensus. Not counted in ClinVar's aggregate classification.

Dr. Peter K. Rogan Lab, Western University
No classification provided (evidence only). Condition: Melanoma. Review status: no classification provided. Collection method: in vitro. Allele origin: not applicable. Functional consequence: retained intron. Not counted in ClinVar's aggregate classification.

Dr. Peter K. Rogan Lab, Western University
No classification provided (evidence only). Condition: Thyroid cancer, nonmedullary, 1. Review status: no classification provided. Collection method: in vitro. Allele origin: not applicable. Functional consequence: retained intron. Not counted in ClinVar's aggregate classification.